The following is an entry in ClinVar:

NM_001365536.1(SCN9A):c.3548A>C (p.Lys1183Thr)

Genes: SCN9A (sodium voltage-gated channel alpha subunit 9; minus strand), SCN1A-AS1 (SCN1A and SCN9A antisense RNA 1; plus strand). Cytogenetic location: 2q24.3.
Variant type: single nucleotide variant.
Coding change: c.3548A>C on transcript NM_001365536.1 (MANE Select); coding-DNA position 3548, A replaced by C.
Protein change: p.Lys1183Thr; replaces lysine 1183 with threonine.
Molecular consequence: missense variant.
Genome position (GRCh38, 1-based): chr2:166,242,581, T>G on the plus strand (A>C on the coding strand, the complement: SCN9A is on the minus strand). VCF-style: chr2-166242581-T-G. GRCh37 (hg19) VCF-style: chr2-167099091-T-G.
Other names: c.3515A>C, p.Lys1172Thr (NM_002977.4); short protein forms K1172T, K1183T.
Identifiers: ClinVar variation 3760328 (VCV003760328.2).

ClinVar aggregate classification (germline): Uncertain significance (1 of 4 stars; one submission).

Conditions:
Neuropathy, hereditary sensory and autonomic, type 2A (HSAN2A). Also called: HSAN IIA; ACROOSTEOLYSIS, GIACCAI TYPE; ACROOSTEOLYSIS, NEUROGENIC; MORVAN DISEASE; NEUROPATHY, CONGENITAL SENSORY; NEUROPATHY, HEREDITARY SENSORY RADICULAR, AUTOSOMAL RECESSIVE. Identifiers: Orphanet 970, MedGen C2752089, MONDO:0024309, OMIM 201300.
Generalized epilepsy with febrile seizures plus, type 7 (GEFSP7). Also called: GEFS+, TYPE 7. Identifiers: Orphanet 36387, MedGen C2751778, MONDO:0013470, OMIM 613863.

gnomAD v4.1: 9 of 1,568,606 alleles (0.00057%); highest among the groups gnomAD compares: African/African-American, 0.012%; no homozygotes.

Submission:

Labcorp Genetics (formerly Invitae), Labcorp
Classification: Uncertain significance for Neuropathy, hereditary sensory and autonomic, type 2A; Generalized epilepsy with febrile seizures plus, type 7. Last evaluated: 2025-06-14. Review status: criteria provided, single submitter. Criteria: Invitae Variant Classification Sherloc (09022015). Collection method: clinical testing. Allele origin: germline.
Comment: This sequence change replaces lysine, which is basic and polar, with threonine, which is neutral and polar, at codon 1172 of the SCN9A protein (p.Lys1172Thr). This variant is present in population databases (rs557603605, gnomAD 0.01%). This variant has not been reported in the literature in individuals affected with SCN9A-related conditions. ClinVar contains an entry for this variant (Variation ID: 3760328). Invitae Evidence Modeling of protein sequence and biophysical properties (such as structural, functional, and spatial information, amino acid conservation, physicochemical variation, residue mobility, and thermodynamic stability) indicates that this missense variant is not expected to disrupt SCN9A protein function with a negative predictive value of 95%. In summary, the available evidence is currently insufficient to determine the role of this variant in disease. Therefore, it has been classified as a Variant of Uncertain Significance.